The following is an entry in ClinVar:

ClinVar aggregate classification (germline): Uncertain significance (1 of 4 stars; one submission).

Conditions:
3-Methylglutaconic aciduria type 2 (BTHS). Also called: CARDIOSKELETAL MYOPATHY WITH NEUTROPENIA AND ABNORMAL MITOCHONDRIA; Barth syndrome. Identifiers: Orphanet 111, MedGen C0574083, MONDO:0010543, OMIM 302060.

Submission:

Labcorp Genetics (formerly Invitae), Labcorp
Classification: Uncertain significance for 3-Methylglutaconic aciduria type 2. Last evaluated: 2020-11-14. Review status: criteria provided, single submitter. Criteria: Invitae Variant Classification Sherloc (09022015). Collection method: clinical testing. Allele origin: germline.
Comment: This variant is not present in population databases (ExAC no frequency). This sequence change replaces asparagine with tyrosine at codon 132 of the TAZ protein (p.Asn132Tyr). The asparagine residue is weakly conserved and there is a large physicochemical difference between asparagine and tyrosine. This variant has not been reported in the literature in individuals with TAZ-related conditions. Algorithms developed to predict the effect of missense changes on protein structure and function output the following: SIFT: "Not Available"; PolyPhen-2: "Benign"; Align-GVGD: "Not Available". The tyrosine amino acid residue is found in multiple mammalian species, suggesting that this missense change does not adversely affect protein function. These predictions have not been confirmed by published functional studies and their clinical significance is uncertain. In summary, the available evidence is currently insufficient to determine the role of this variant in disease. Therefore, it has been classified as a Variant of Uncertain Significance.

NM_000116.5(TAFAZZIN):c.394A>T (p.Asn132Tyr)

Gene: TAFAZZIN (tafazzin, phospholipid-lysophospholipid transacylase; plus strand). Cytogenetic location: Xq28.
Variant type: single nucleotide variant.
Coding change: c.394A>T on transcript NM_000116.5 (MANE Select); coding-DNA position 394, A replaced by T.
Protein change: p.Asn132Tyr; replaces asparagine 132 with tyrosine.
Molecular consequence: missense variant. On other transcripts: intron variant (3).
Genome position (GRCh38, 1-based): chrX:154,414,124, A>T. VCF-style: chrX-154414124-A-T. GRCh37 (hg19) VCF-style: chrX-153642461-A-T.
Other names: c.448A>T, p.Asn150Tyr (NM_001303465.2); c.394A>T, p.Asn132Tyr (NM_181312.4); c.424+557A>T (NM_001410698.1); c.370+557A>T (NM_181311.4, NM_181313.4); short protein forms N150Y, N132Y.
Identifiers: ClinVar variation 2964618 (VCV002964618.3), dbSNP rs2522950592, ClinGen allele CA415182428.
Genomic context (GRCh38, chrX:154,414,124, plus strand): 5'-GCCAGGATTTGAATCCAGATTGCTCCTTCCTCTGCAGGAGCAGAATTTTTCCAAGCAGAG[A>T]ATGAGGGGAAAGGTGTTCTAGACACAGGCAGGCACATGCCAGGTGCTGGAAAAAGAAGAG-3'
Protein context (NP_000107.1, residues 122-142): CRGAEFFQAE[Asn132Tyr]EGKGVLDTGR